The following is an entry in ClinVar:

NM_021005.4(NR2F2):c.1029_1035del (p.Cys343fs)

Gene: NR2F2 (nuclear receptor subfamily 2 group F member 2; plus strand). Cytogenetic location: 15q26.2.
Variant type: Deletion.
Coding change: c.1029_1035del on transcript NM_021005.4 (MANE Select); coding-DNA positions 1029 to 1035, 7 bases deleted (TGCTTTG; older notation c.1029_1035delTGCTTTG).
Protein change: p.Cys343fs; shifts the reading frame from cysteine 343.
Molecular consequence: frameshift variant.
Genome position (GRCh38, 1-based): chr15:96,337,406-96,337,412, TGCTTTG deleted; deleting any 7 consecutive bases within chr15:96,337,404-96,337,412 gives the same sequence; the c. name uses the placement nearest the transcript's 3' end. VCF-style (leftmost placement, unchanged base first): chr15-96337403-GTGTGCTT-G. GRCh37 (hg19) VCF-style: chr15-96880632-GTGTGCTT-G.
Other names: c.630_636del, p.Cys210fs (NM_001145155.2); c.570_576del, p.Cys190fs (NM_001145156.1, NM_001145157.2); short protein forms C210fs, C343fs, C190fs.
Identifiers: ClinVar variation 817184 (VCV000817184.1), dbSNP rs1596432295, ClinGen allele CA915946176.

ClinVar aggregate classification (germline): Pathogenic (1 of 4 stars; one submission).

Submission:

GeneDx
Classification: Pathogenic. Last evaluated: 2018-08-08. Review status: criteria provided, single submitter. Criteria: GeneDx Variant Classification (06012015). Collection method: clinical testing. Allele origin: germline. Affected: yes.
Comment: The c.1029_1035delTGCTTTG variant in the NR2F2 gene has not been reported previously as a pathogenic variant nor as a benign variant, to our knowledge. The c.1029_1035delTGCTTTG variant causes a frameshift starting with codon Cysteine 343, changes this amino acid to a Tryptophan residue, and creates a premature Stop codon at position 34 of the new reading frame, denoted p.Cys343TrpfsX34. This variant is predicted to cause loss of normal protein function through protein truncation. The c.1029_1035delTGCTTTG variant is not observed in large population cohorts (Lek et al., 2016). We interpret c.1029_1035delTGCTTTG as a pathogenic variant.